The following is an entry in ClinVar:

ClinVar aggregate classification (germline): Uncertain significance (1 of 4 stars; one submission).

Allele frequency attached by ClinVar (database versions not stated): TOPMed 0.00001.

Submission:

Labcorp Genetics (formerly Invitae), Labcorp
Classification: Uncertain significance. Last evaluated: 2022-08-12. Review status: criteria provided, single submitter. Criteria: Invitae Variant Classification Sherloc (09022015). Collection method: clinical testing. Allele origin: germline.
Comment: In summary, the available evidence is currently insufficient to determine the role of this variant in disease. Therefore, it has been classified as a Variant of Uncertain Significance. Advanced modeling of protein sequence and biophysical properties (such as structural, functional, and spatial information, amino acid conservation, physicochemical variation, residue mobility, and thermodynamic stability) performed at Invitae indicates that this missense variant is expected to disrupt ROR2 protein function. This variant has not been reported in the literature in individuals affected with ROR2-related conditions. This variant is not present in population databases (gnomAD no frequency). This sequence change replaces cysteine, which is neutral and slightly polar, with arginine, which is basic and polar, at codon 389 of the ROR2 protein (p.Cys389Arg).

NM_004560.4(ROR2):c.1165T>C (p.Cys389Arg)

Gene: ROR2 (receptor tyrosine kinase like orphan receptor 2; minus strand). Cytogenetic location: 9q22.31.
Variant type: single nucleotide variant.
Coding change: c.1165T>C on transcript NM_004560.4 (MANE Select); coding-DNA position 1165, T replaced by C.
Protein change: p.Cys389Arg; replaces cysteine 389 with arginine.
Molecular consequence: missense variant. On other transcripts: intron variant (1).
Genome position (GRCh38, 1-based): chr9:91,730,928, A>G on the plus strand (T>C on the coding strand, the complement: ROR2 is on the minus strand). VCF-style: chr9-91730928-A-G. GRCh37 (hg19) VCF-style: chr9-94493210-A-G.
Other names: c.1149+16T>C (NM_001318204.2); short protein forms C389R.
Identifiers: ClinVar variation 1950935 (VCV001950935.5), dbSNP rs1207995735, ClinGen allele CA373799894.